The following is an entry in ClinVar:

NM_015202.5(KATNIP):c.1104C>T (p.Ser368=)

Gene: KATNIP (katanin interacting protein; plus strand). Cytogenetic location: 16p12.1.
Variant type: single nucleotide variant.
Coding change: c.1104C>T on transcript NM_015202.5 (MANE Select); coding-DNA position 1104, C replaced by T.
Protein change: p.Ser368=; no amino-acid change (serine 368 retained).
Molecular consequence: synonymous variant.
Genome position (GRCh38, 1-based): chr16:27,698,491, C>T. VCF-style: chr16-27698491-C-T. GRCh37 (hg19) VCF-style: chr16-27709812-C-T.
Other names: c.1104C>T (NM_015202.3).
Identifiers: ClinVar variation 789083 (VCV000789083.13), dbSNP rs61740294, ClinGen allele CA7977564.

ClinVar aggregate classification (germline): Benign. Review status: criteria provided, multiple submitters, no conflicts (2 of 4 stars). 3 submissions from 3 submitters: Benign (2). 1 of the submissions does not count toward it. Last evaluated 2026-02-01.

Conditions:
KATNIP-related disorder. Also called: KATNIP-related condition.

Allele frequency attached by ClinVar (database versions not stated): gnomAD exomes 0.00170 and 0.00428; ExAC 0.00542; 1000 Genomes Project 0.01617; 1000 Genomes Project 30x 0.01686; gnomAD 0.01725 and 0.01861; TOPMed 0.01870; ESP Exome Variant Server 0.01955.
gnomAD v4.1: 5,185 of 1,609,016 alleles (0.32%); highest among the groups gnomAD compares: African/African-American, 6.2%; 162 homozygotes.

Submissions (3):

Labcorp Genetics (formerly Invitae), Labcorp
Classification: Benign. Last evaluated: 2026-02-01. Review status: criteria provided, single submitter. Criteria: Invitae Variant Classification Sherloc (09022015). Collection method: clinical testing. Allele origin: germline.

Breakthrough Genomics
Classification: Benign. Review status: criteria provided, single submitter. Criteria: ACMG Guidelines, 2015. Collection method: not provided. Allele origin: germline. Inheritance: Autosomal recessive inheritance. Affected: yes.

PreventionGenetics, part of Exact Sciences
Classification: Benign for KATNIP-related condition. Last evaluated: 2019-09-05. Review status: no assertion criteria provided. Collection method: clinical testing. Allele origin: germline. Not counted in ClinVar's aggregate classification.
Comment: This variant is classified as benign based on ACMG/AMP sequence variant interpretation guidelines (Richards et al. 2015 PMID: 25741868, with internal and published modifications).